The following is an entry in ClinVar:

NM_000219.6(KCNE1):c.9G>C (p.Leu3=)

Gene: KCNE1 (potassium voltage-gated channel subfamily E regulatory subunit 1; minus strand). Cytogenetic location: 21q22.12.
Variant type: single nucleotide variant.
Coding change: c.9G>C on transcript NM_000219.6 (MANE Select); coding-DNA position 9, G replaced by C.
Protein change: p.Leu3=; no amino-acid change (leucine 3 retained).
Molecular consequence: synonymous variant.
Genome position (GRCh38, 1-based): chr21:34,449,626, C>G on the plus strand (G>C on the coding strand, the complement: KCNE1 is on the minus strand). VCF-style: chr21-34449626-C-G. GRCh37 (hg19) VCF-style: chr21-35821924-C-G.
Other names: c.9G>C, p.Leu3= (NM_001127668.4, NM_001127669.4, NM_001127670.4 and 4 more transcripts).
Identifiers: ClinVar variation 3374018 (VCV003374018.2).

Conditions:
Long QT syndrome 5 (LQT5). Identifiers: Orphanet 101016, Orphanet 768, MedGen C1867904, MONDO:0013372, OMIM 613695.

Submission:

Roden Lab, Vanderbilt University Medical Center
No classification provided (evidence only). Condition: Long QT syndrome 5. Review status: no classification provided. Collection method: in vitro. Allele origin: not applicable. Functional consequence: Effect on ion channel function.
ClinVar note: "not provided" was previously submitted as the classification for the variant. However, the classification appeared to be based only on an observation of functional data so it was converted to no classification on 2025-07-30.